The following is an entry in ClinVar:

NM_001164508.2(NEB):c.1045A>C (p.Lys349Gln)

Gene: NEB (nebulin; minus strand). Cytogenetic location: 2q23.3.
Variant type: single nucleotide variant.
Coding change: c.1045A>C on transcript NM_001164508.2 (MANE Select); coding-DNA position 1045, A replaced by C.
Protein change: p.Lys349Gln; replaces lysine 349 with glutamine.
Molecular consequence: missense variant.
Genome position (GRCh38, 1-based): chr2:151,706,988, T>G on the plus strand (A>C on the coding strand, the complement: NEB is on the minus strand). VCF-style: chr2-151706988-T-G. GRCh37 (hg19) VCF-style: chr2-152563502-T-G.
Other names: c.1045A>C, p.Lys349Gln (NM_001164507.2, NM_001271208.2, NM_004543.5); short protein forms K349Q.
Identifiers: ClinVar variation 331537 (VCV000331537.24), dbSNP rs369153778, ClinGen allele CA1911698.

ClinVar aggregate classification (germline): Conflicting classifications of pathogenicity. Review status: criteria provided, conflicting classifications (1 of 4 stars). 6 submissions from 6 submitters: Uncertain significance (4); Benign (1). 1 of the submissions does not count toward it. Last evaluated 2026-01-25.

Conditions:
Inborn genetic diseases. Identifiers: MedGen C0950123, MeSH D030342.
Nemaline myopathy 2 (NEM2). Also called: Nemaline myopathy 2, autosomal recessive. Identifiers: MedGen C1850569, MONDO:0009725, OMIM 256030.

Allele frequency attached by ClinVar (database versions not stated): ExAC 0.00018; 1000 Genomes Project 0.00040; ESP Exome Variant Server 0.00042; gnomAD 0.00045 and 0.00046; 1000 Genomes Project 30x 0.00047; TOPMed 0.00056.
gnomAD v4.1: 121 of 1,573,630 alleles (0.0077%); highest among the groups gnomAD compares: African/African-American, 0.15%; no homozygotes.

Submissions (6):

Labcorp Genetics (formerly Invitae), Labcorp
Classification: Benign for Nemaline myopathy 2. Last evaluated: 2026-01-25. Review status: criteria provided, single submitter. Criteria: Invitae Variant Classification Sherloc (09022015). Collection method: clinical testing. Allele origin: germline.

Ambry Genetics
Classification: Uncertain significance for Inborn genetic diseases. Last evaluated: 2024-07-02. Review status: criteria provided, single submitter. Criteria: Ambry Variant Classification Scheme 2023. Collection method: clinical testing. Allele origin: germline.

GeneDx
Classification: Uncertain significance. Last evaluated: 2024-04-10. Review status: criteria provided, single submitter. Criteria: GeneDx Variant Classification Process June 2021. Collection method: clinical testing. Allele origin: germline. Affected: yes.
Comment: Has not been previously published as pathogenic or benign to our knowledge; In silico analysis indicates that this missense variant does not alter protein structure/function

Revvity Omics, Revvity
Classification: Uncertain significance. Last evaluated: 2021-09-15. Review status: criteria provided, single submitter. Criteria: ACMG Guidelines, 2015. Collection method: clinical testing. Allele origin: germline.

Illumina Laboratory Services, Illumina
Classification: Uncertain significance for Nemaline myopathy 2. Last evaluated: 2018-01-12. Review status: criteria provided, single submitter. Criteria: ICSL Variant Classification Criteria 13 December 2019. Collection method: clinical testing. Allele origin: germline.

Natera, Inc.
Classification: Uncertain significance for Nemaline myopathy type 2. Last evaluated: 2019-11-11. Review status: no assertion criteria provided. Collection method: clinical testing. Allele origin: germline. Not counted in ClinVar's aggregate classification.